The following is an entry in ClinVar:

ClinVar aggregate classification (germline): Conflicting classifications of pathogenicity. Review status: criteria provided, conflicting classifications (1 of 4 stars). 3 submissions from 3 submitters: Likely pathogenic (2); Uncertain significance (1). Last evaluated 2025-12-04.

Conditions:
Cardiomyopathy (CMYO). Also called: Cardiomyopathies. Identifiers: Orphanet 167848, MedGen C0878544, MONDO:0004994, HP:0001638. Inheritance: Various modes of inheritance.
Hypertrophic cardiomyopathy 1 (CMH1). Also called: Familial hypertrophic cardiomyopathy 1; MYH7-Related Familial Hypertrophic Cardiomyopathy. Identifiers: MedGen C3495498, MONDO:0008647, OMIM 192600.
Hypertrophic cardiomyopathy. Also called: HYPERTROPHIC MYOCARDIOPATHY. Identifiers: Orphanet 217569, MedGen C0007194, MeSH D002312, MONDO:0005045, HP:0001639.

Submissions (3):

Labcorp Genetics (formerly Invitae), Labcorp
Classification: Likely pathogenic for Hypertrophic cardiomyopathy. Last evaluated: 2025-12-04. Review status: criteria provided, single submitter. Criteria: Invitae Variant Classification Sherloc (09022015). Collection method: clinical testing. Allele origin: germline.
Comment: This sequence change replaces glutamic acid, which is acidic and polar, with lysine, which is basic and polar, at codon 1120 of the MYH7 protein (p.Glu1120Lys). This variant is not present in population databases (gnomAD no frequency). This missense change has been observed in individuals with hypertrophic cardiomyopathy (PMID: 24793961, 27247418; external communication, internal data). ClinVar contains an entry for this variant (Variation ID: 217465). Invitae Evidence Modeling of protein sequence and biophysical properties (such as structural, functional, and spatial information, amino acid conservation, physicochemical variation, residue mobility, and thermodynamic stability) indicates that this missense variant is expected to disrupt MYH7 protein function with a positive predictive value of 95%. In summary, the currently available evidence indicates that the variant is pathogenic, but additional data are needed to prove that conclusively. Therefore, this variant has been classified as Likely Pathogenic.

CHEO Genetics Diagnostic Laboratory, Children's Hospital of Eastern Ontario
Classification: Uncertain significance for Cardiomyopathy. Last evaluated: 2023-04-28. Review status: criteria provided, single submitter. Criteria: ACMG Guidelines, 2015. Collection method: clinical testing. Allele origin: germline.

Laboratory of Genetics and Molecular Cardiology, University of São Paulo
Classification: Likely pathogenic for Hypertrophic cardiomyopathy 1. Review status: criteria provided, single submitter. Criteria: LGCM Criteria August 2015. Collection method: clinical testing. Allele origin: germline. Inheritance: Autosomal dominant inheritance. Affected: yes. Observed: 1 variant allele. Study: Sarcomeric Human Cardiomyopathy Registry (ShaRe).

Literature cited by the submitters: PubMed 24793961 (cited by Labcorp Genetics (formerly Invitae), Labcorp); PubMed 27247418 (cited by Labcorp Genetics (formerly Invitae), Labcorp).

NM_000257.4(MYH7):c.3358G>A (p.Glu1120Lys)

Gene: MYH7 (myosin heavy chain 7; minus strand). Cytogenetic location: 14q11.2.
Variant type: single nucleotide variant.
Coding change: c.3358G>A on transcript NM_000257.4 (MANE Select); coding-DNA position 3358, G replaced by A.
Protein change: p.Glu1120Lys; replaces glutamic acid 1120 with lysine.
Molecular consequence: missense variant.
Genome position (GRCh38, 1-based): chr14:23,420,213, C>T on the plus strand (G>A on the coding strand, the complement: MYH7 is on the minus strand). VCF-style: chr14-23420213-C-T. GRCh37 (hg19) VCF-style: chr14-23889422-C-T.
Other names: short protein forms E1120K.
Identifiers: ClinVar variation 217465 (VCV000217465.5), dbSNP rs863225098, ClinGen allele CA279329.